The following is an entry in ClinVar:

NM_000340.2(SLC2A2):c.112ATA[1] (p.Ile39del)

Gene: SLC2A2 (solute carrier family 2 member 2; minus strand). Cytogenetic location: 3q26.2.
Variant type: Microsatellite.
Coding change: c.112ATA[1] on transcript NM_000340.2 (MANE Select); one copy of the 3-base unit ATA starting at c.112; the reference has two copies in a row; one copy, 3 bases deleted; also written c.115_117del.
Protein change: p.Ile39del; deletes isoleucine 39.
Molecular consequence: inframe deletion. On other transcripts: 5 prime UTR variant (1), intron variant (1).
Genome position (GRCh38, 1-based): chr3:171,014,723-171,014,725, TAT deleted on the plus strand (ATA on the coding strand, the reverse complement: SLC2A2 is on the minus strand); deleting any 3 consecutive bases within chr3:171,014,723-171,014,730 gives the same sequence; the position shown is the placement nearest the transcript's 3' end. VCF-style (leftmost placement, unchanged base first): chr3-171014722-ATAT-A. GRCh37 (hg19) VCF-style: chr3-170732511-ATAT-A.
Other names: c.-283ATA[1] (NM_001278659.2); c.14+3806_14+3808del (NM_001278658.2); c.115_117del (NM_000340.2); short protein forms I39del.
Identifiers: ClinVar variation 631915 (VCV000631915.10), dbSNP rs772999215, ClinGen allele CA2702755.
Genomic context (GRCh38, chr3:171,014,722, plus strand): 5'-CATAGTTGTTGATAGCTTTTCGGTCATCCAGTGGAACACCCAAAACATGTCTATAGTGAG[ATAT>A]TATTACCTAGGAGATAAAGAAAAATAGCTTTACTATTTCAAACATTCTATGTATTTTTGT-3'

ClinVar aggregate classification (germline): Conflicting classifications of pathogenicity. Review status: criteria provided, conflicting classifications (1 of 4 stars). 4 submissions from 4 submitters: Likely pathogenic (3); Uncertain significance (1). Last evaluated 2025-06-29.

Conditions:
Fanconi-Bickel syndrome (FBS). Also called: PSEUDO-PHLORIZIN DIABETES; Glycogen storage disease due to GLUT2 deficiency; FANCONI SYNDROME WITH INTESTINAL MALABSORPTION AND GALACTOSE INTOLERANCE; HEPATIC GLYCOGENOSIS WITH AMINO ACIDURIA AND GLUCOSURIA; HEPATIC GLYCOGENOSIS WITH FANCONI NEPHROPATHY; HEPATORENAL GLYCOGENOSIS WITH RENAL FANCONI SYNDROME. Identifiers: Orphanet 2088, MedGen C3495427, MONDO:0009216, OMIM 227810.
Type 2 diabetes mellitus. Also called: Type II diabetes mellitus. Identifiers: MedGen C0011860, MeSH D003924, MONDO:0005148, OMIM 125853, HP:0005978.
SLC2A2-related disorder. Also called: SLC2A2-related condition.

Submissions (4):

PreventionGenetics, part of Exact Sciences
Classification: Likely pathogenic for SLC2A2-related condition. Last evaluated: 2025-06-29. Review status: criteria provided, single submitter. Criteria: ACMG Guidelines, 2015. Collection method: clinical testing. Allele origin: germline.
Comment: The SLC2A2 c.115_117delATA variant is predicted to result in an in-frame deletion (p.Ile39del). This variant was reported in the homozygous state in two patients with Fanconi Bickel syndrome (reported as GLUT2 I39, Peduto et al. 2004. PubMed ID: 15243984, Patient 53, Table S1, Enogieru et al. 2019. PubMed ID: 30950137). Functional studies suggest that this variant impaired glucose uptake (Table S2, Enogieru et al. 2019. PubMed ID: 30950137). This variant is reported in 0.0081% of alleles in individuals of African descent in gnomAD. This variant is interpreted as likely pathogenic.

Genetic Services Laboratory, University of Chicago
Classification: Likely pathogenic. Last evaluated: 2025-05-27. Review status: criteria provided, single submitter. Criteria: ACMG Guidelines, 2015. Collection method: clinical testing. Allele origin: germline.
Comment: The c.115_117del variant: Results in a deletion of 3 base pairs in exon 3. Results in the deletion of 1 amino acid residue at amino acid position 39, p.Ile39del. Has been previously described in the homozygous state in two individuals with SLC2A2-related disorders (PMID: 15243984, 30950137). Is reported in the gnomAD v4 database with a frequency of 0.001% in the global population (dbSNP rs772999215). Affects an amino acid residue located in a domain of the SLC2A2 protein that is known to be functional. Has been demonstrated by functional analyses to have a deleterious effect on the SLC2A2 protein product by impairing glucose uptake (PMID: 30950137). ClinVar contains an entry for this variant (Variation ID: 631915). Collectively this evidence indicates that this variant is likely pathogenic.

Blueprint Genetics
Classification: Uncertain significance. Last evaluated: 2024-08-23. Review status: criteria provided, single submitter. Criteria: ACMG Guidelines, 2015. Collection method: clinical testing. Allele origin: germline.

Fulgent Genetics
Classification: Likely pathogenic for Type 2 diabetes mellitus; Fanconi-Bickel syndrome. Last evaluated: 2024-03-28. Review status: criteria provided, single submitter. Criteria: ACMG Guidelines, 2015. Collection method: clinical testing. Allele origin: germline.